The following is an entry in ClinVar:

ClinVar aggregate classification (germline): Uncertain significance (1 of 4 stars; one submission).

Allele frequency attached by ClinVar (database versions not stated): gnomAD exomes 0.00003.
gnomAD v4.1: 28 of 1,212,057 alleles (0.0023%); highest among the groups gnomAD compares: Non-Finnish European, 0.0031%; no homozygotes.

Submission:

GeneDx
Classification: Uncertain significance. Last evaluated: 2022-08-22. Review status: criteria provided, single submitter. Criteria: GeneDx Variant Classification Process June 2021. Collection method: clinical testing. Allele origin: germline. Affected: yes.
Comment: Not observed at significant frequency in large population cohorts (gnomAD); In silico analysis supports that this missense variant does not alter protein structure/function; Has not been previously published as pathogenic or benign to our knowledge

NM_001379451.1(BCORL1):c.3872G>A (p.Gly1291Asp)

Gene: BCORL1 (BCL6 corepressor like 1; plus strand). Cytogenetic location: Xq26.1.
Variant type: single nucleotide variant.
Coding change: c.3872G>A on transcript NM_001379451.1 (MANE Select); coding-DNA position 3872, G replaced by A.
Protein change: p.Gly1291Asp; replaces glycine 1291 with aspartic acid.
Molecular consequence: missense variant.
Genome position (GRCh38, 1-based): chrX:130,025,173, G>A. VCF-style: chrX-130025173-G-A. GRCh37 (hg19) VCF-style: chrX-129159148-G-A.
Other names: c.3872G>A, p.Gly1291Asp (NM_001184772.3, NM_001379450.1, NM_021946.5); short protein forms G1291D.
Identifiers: ClinVar variation 2430552 (VCV002430552.1), dbSNP rs2522766570, ClinGen allele CA414598232.